The following is an entry in ClinVar:

NM_000051.4(ATM):c.3801G>C (p.Glu1267Asp)

Gene: ATM (ATM serine/threonine kinase; plus strand). Cytogenetic location: 11q22.3.
Variant type: single nucleotide variant.
Coding change: c.3801G>C on transcript NM_000051.4 (MANE Select); coding-DNA position 3801, G replaced by C.
Protein change: p.Glu1267Asp; replaces glutamic acid 1267 with aspartic acid.
Molecular consequence: missense variant.
Genome position (GRCh38, 1-based): chr11:108,284,281, G>C. VCF-style: chr11-108284281-G-C. GRCh37 (hg19) VCF-style: chr11-108155008-G-C.
Other names: c.3801G>C, p.Glu1267Asp (NM_001351834.2); short protein forms E1267D.
Identifiers: ClinVar variation 1735074 (VCV001735074.2), dbSNP rs2135705489, ClinGen allele CA382524713.

ClinVar aggregate classification (germline): Uncertain significance (1 of 4 stars; one submission).

Conditions:
Hereditary cancer-predisposing syndrome. Also called: Neoplastic Syndromes, Hereditary; Tumor predisposition; Hereditary Cancer Syndrome; Hereditary neoplastic syndrome. Identifiers: Orphanet 140162, MedGen C0027672, MeSH D009386, MONDO:0015356.

Submission:

Ambry Genetics
Classification: Uncertain significance for Hereditary cancer-predisposing syndrome. Last evaluated: 2021-10-25. Review status: criteria provided, single submitter. Criteria: Ambry Variant Classification Scheme 2023. Collection method: clinical testing. Allele origin: germline.
Comment: The p.E1267D variant (also known as c.3801G>C), located in coding exon 25 of the ATM gene, results from a G to C substitution at nucleotide position 3801. The glutamic acid at codon 1267 is replaced by aspartic acid, an amino acid with highly similar properties. This amino acid position is conserved. In addition, this alteration is predicted to be tolerated by in silico analysis. Since supporting evidence is limited at this time, the clinical significance of this alteration remains unclear.